The following is an entry in ClinVar:

ClinVar aggregate classification (germline): Conflicting classifications of pathogenicity. Review status: criteria provided, conflicting classifications (1 of 4 stars). 2 submissions from 2 submitters: Likely pathogenic (1); Uncertain significance (1). Last evaluated 2024-03-21.

Conditions:
Hepatic methionine adenosyltransferase deficiency. Also called: Methionine adenosyltransferase deficiency; Isolated Persistent Hypermethioninemia; MAT I/III DEFICIENCY; Deficiency of methionine adenosyltransferase. Identifiers: Orphanet 168598, MedGen C0268621, MeSH C564683, MONDO:0009607, OMIM 250850.

Allele frequency attached by ClinVar (database versions not stated): gnomAD exomes below 0.00001; ExAC 0.00001; gnomAD 0.00001.
gnomAD v4.1: 1 of 1,614,042 alleles (0.000062%); no homozygotes.

Submissions (2):

Department of Human Genetics, Hannover Medical School
Classification: Likely pathogenic for Hepatic methionine adenosyltransferase deficiency. Last evaluated: 2024-03-21. Review status: criteria provided, single submitter. Criteria: ACMG Guidelines, 2015. Collection method: clinical testing. Allele origin: germline. Affected: yes.

Labcorp Genetics (formerly Invitae), Labcorp
Classification: Uncertain significance for Hepatic methionine adenosyltransferase deficiency. Last evaluated: 2020-06-16. Review status: criteria provided, single submitter. Criteria: Invitae Variant Classification Sherloc (09022015). Collection method: clinical testing. Allele origin: germline.
Comment: In summary, the available evidence is currently insufficient to determine the role of this variant in disease. Therefore, it has been classified as a Variant of Uncertain Significance. Algorithms developed to predict the effect of missense changes on protein structure and function are either unavailable or do not agree on the potential impact of this missense change (SIFT: "Deleterious"; PolyPhen-2: "Benign"; Align-GVGD: "Class C65"). This variant has not been reported in the literature in individuals with MAT1A-related conditions. This variant is present in population databases (rs775897759, ExAC 0.02%). This sequence change replaces glycine with aspartic acid at codon 323 of the MAT1A protein (p.Gly323Asp). The glycine residue is highly conserved and there is a moderate physicochemical difference between glycine and aspartic acid.

NM_000429.3(MAT1A):c.968G>A (p.Gly323Asp)

Gene: MAT1A (methionine adenosyltransferase 1A; minus strand). Cytogenetic location: 10q22.3.
Variant type: single nucleotide variant.
Coding change: c.968G>A on transcript NM_000429.3 (MANE Select); coding-DNA position 968, G replaced by A.
Protein change: p.Gly323Asp; replaces glycine 323 with aspartic acid.
Molecular consequence: missense variant.
Genome position (GRCh38, 1-based): chr10:80,274,637, C>T on the plus strand (G>A on the coding strand, the complement: MAT1A is on the minus strand). VCF-style: chr10-80274637-C-T. GRCh37 (hg19) VCF-style: chr10-82034393-C-T.
Other names: short protein forms G323D.
Identifiers: ClinVar variation 1004995 (VCV001004995.10), dbSNP rs775897759, ClinGen allele CA5576647.